The following is an entry in ClinVar:

ClinVar aggregate classification (germline): Uncertain significance (1 of 4 stars; one submission).

Allele frequency attached by ClinVar (database versions not stated): gnomAD 0.00001; gnomAD exomes 0.00001; TOPMed 0.00001; ExAC 0.00004; ESP Exome Variant Server 0.00009; 1000 Genomes Project 30x 0.00016; 1000 Genomes Project 0.00020.
gnomAD v4.1: 14 of 1,608,980 alleles (0.00087%); highest among the groups gnomAD compares: South Asian, 0.0089%; no homozygotes.

Submission:

Labcorp Genetics (formerly Invitae), Labcorp
Classification: Uncertain significance. Last evaluated: 2022-09-01. Review status: criteria provided, single submitter. Criteria: Invitae Variant Classification Sherloc (09022015). Collection method: clinical testing. Allele origin: germline.
Comment: In summary, the available evidence is currently insufficient to determine the role of this variant in disease. Therefore, it has been classified as a Variant of Uncertain Significance. Algorithms developed to predict the effect of missense changes on protein structure and function (SIFT, PolyPhen-2, Align-GVGD) all suggest that this variant is likely to be disruptive. This variant has not been reported in the literature in individuals affected with LRRCC1-related conditions. This variant is present in population databases (rs375898315, gnomAD 0.01%). This sequence change replaces aspartic acid, which is acidic and polar, with valine, which is neutral and non-polar, at codon 909 of the LRRCC1 protein (p.Asp909Val).

NM_033402.5(LRRCC1):c.2726A>T (p.Asp909Val)

Gene: LRRCC1 (leucine rich repeat and coiled-coil centrosomal protein 1; plus strand). Cytogenetic location: 8q21.2.
Variant type: single nucleotide variant.
Coding change: c.2726A>T on transcript NM_033402.5 (MANE Select); coding-DNA position 2726, A replaced by T.
Protein change: p.Asp909Val; replaces aspartic acid 909 with valine.
Molecular consequence: missense variant.
Genome position (GRCh38, 1-based): chr8:85,138,361, A>T. VCF-style: chr8-85138361-A-T. GRCh37 (hg19) VCF-style: chr8-86050596-A-T.
Other names: c.2447A>T, p.Asp816Val (NM_001349636.2); c.2300A>T, p.Asp767Val (NM_001349637.2); c.1829A>T, p.Asp610Val (NM_001349638.2); c.1589A>T, p.Asp530Val (NM_001349639.2); short protein forms D530V, D909V, D610V, D767V, D816V.
Identifiers: ClinVar variation 1940550 (VCV001940550.5), dbSNP rs375898315, ClinGen allele CA4794998.